The following is an entry in ClinVar:

NM_000130.5(F5):c.3784C>T (p.Leu1262Phe)

Gene: F5 (coagulation factor V; minus strand). Cytogenetic location: 1q24.2.
Variant type: single nucleotide variant.
Coding change: c.3784C>T on transcript NM_000130.5 (MANE Select); coding-DNA position 3784, C replaced by T.
Protein change: p.Leu1262Phe; replaces leucine 1262 with phenylalanine.
Molecular consequence: missense variant.
Genome position (GRCh38, 1-based): chr1:169,541,306, G>A on the plus strand (C>T on the coding strand, the complement: F5 is on the minus strand). VCF-style: chr1-169541306-G-A. GRCh37 (hg19) VCF-style: chr1-169510544-G-A.
Other names: short protein forms L1262F.
Identifiers: ClinVar variation 4751711 (VCV004751711.2).

ClinVar aggregate classification (germline): Uncertain significance. Review status: criteria provided, multiple submitters, no conflicts (2 of 4 stars). 2 submissions from 2 submitters: Uncertain significance (2). Last evaluated 2026-05-18.

Conditions:
Congenital factor V deficiency. Also called: LABILE FACTOR DEFICIENCY; OWREN PARAHEMOPHILIA; PARAHEMOPHILIA; Hereditary factor V deficiency disease. Identifiers: Orphanet 326, MedGen C0015499, MONDO:0009210, OMIM 227400.
Inborn genetic diseases. Identifiers: MedGen C0950123, MeSH D030342.

gnomAD v4.1: 70 of 1,574,928 alleles (0.0044%); highest among the groups gnomAD compares: Middle Eastern, 0.017%; no homozygotes.

Submissions (2):

Ambry Genetics
Classification: Uncertain significance for Inborn genetic diseases. Last evaluated: 2026-05-18. Review status: criteria provided, single submitter. Criteria: Ambry Variant Classification Scheme 2023. Collection method: clinical testing. Allele origin: germline.
Comment: The p.L1262F variant (also known as c.3784C>T), located in coding exon 13 of the F5 gene, results from a C to T substitution at nucleotide position 3784. The leucine at codon 1262 is replaced by phenylalanine, an amino acid with highly similar properties. This amino acid position is conserved. In addition, this alteration is predicted to be tolerated by in silico analysis. Based on the available evidence, the clinical significance of this variant remains unclear.

Labcorp Genetics (formerly Invitae), Labcorp
Classification: Uncertain significance for Congenital factor V deficiency. Last evaluated: 2025-09-10. Review status: criteria provided, single submitter. Criteria: Invitae Variant Classification Sherloc (09022015). Collection method: clinical testing. Allele origin: germline.
Comment: This sequence change replaces leucine, which is neutral and non-polar, with phenylalanine, which is neutral and non-polar, at codon 1262 of the F5 protein (p.Leu1262Phe). This variant is present in population databases (rs757445087, gnomAD 0.005%). This variant has not been reported in the literature in individuals affected with F5-related conditions. Invitae Evidence Modeling of protein sequence and biophysical properties (such as structural, functional, and spatial information, amino acid conservation, physicochemical variation, residue mobility, and thermodynamic stability) indicates that this missense variant is not expected to disrupt F5 protein function with a negative predictive value of 80%. In summary, the available evidence is currently insufficient to determine the role of this variant in disease. Therefore, it has been classified as a Variant of Uncertain Significance.